The following is an entry in ClinVar:

ClinVar aggregate classification (germline): Uncertain significance. Review status: criteria provided, multiple submitters, no conflicts (2 of 4 stars). 2 submissions from 2 submitters: Uncertain significance (2). Last evaluated 2025-02-15.

Conditions:
Neurofibromatosis, type 1 (NF1). Also called: VON RECKLINGHAUSEN DISEASE; NEUROFIBROMATOSIS, TYPE I, SOMATIC; Peripheral type neurofibromatosis; Neurofibromatosis, type I. Identifiers: Orphanet 636, MedGen C0027831, MONDO:0018975, OMIM 162200. Disease mechanism: loss of function.

Submissions (2):

Labcorp Genetics (formerly Invitae), Labcorp
Classification: Uncertain significance for Neurofibromatosis, type 1. Last evaluated: 2025-02-15. Review status: criteria provided, single submitter. Criteria: Invitae Variant Classification Sherloc (09022015). Collection method: clinical testing. Allele origin: germline.
Comment: This sequence change replaces glycine, which is neutral and non-polar, with glutamic acid, which is acidic and polar, at codon 1980 of the NF1 protein (p.Gly1980Glu). This variant is not present in population databases (gnomAD no frequency). This variant has not been reported in the literature in individuals affected with NF1-related conditions. ClinVar contains an entry for this variant (Variation ID: 457774). Invitae Evidence Modeling of protein sequence and biophysical properties (such as structural, functional, and spatial information, amino acid conservation, physicochemical variation, residue mobility, and thermodynamic stability) indicates that this missense variant is expected to disrupt NF1 protein function with a positive predictive value of 95%. In summary, the available evidence is currently insufficient to determine the role of this variant in disease. Therefore, it has been classified as a Variant of Uncertain Significance.

GeneDx
Classification: Uncertain significance. Last evaluated: 2022-05-11. Review status: criteria provided, single submitter. Criteria: GeneDx Variant Classification Process June 2021. Collection method: clinical testing. Allele origin: germline. Affected: yes.
Comment: Not observed at significant frequency in large population cohorts (gnomAD); In silico analysis supports that this missense variant has a deleterious effect on protein structure/function; Has not been previously published as pathogenic or benign to our knowledge

NM_001042492.3(NF1):c.6002G>A (p.Gly2001Glu)

Gene: NF1 (neurofibromin 1; plus strand). Cytogenetic location: 17q11.2.
Variant type: single nucleotide variant.
Coding change: c.6002G>A on transcript NM_001042492.3 (MANE Select); coding-DNA position 6002, G replaced by A.
Protein change: p.Gly2001Glu; replaces glycine 2001 with glutamic acid.
Molecular consequence: missense variant.
Genome position (GRCh38, 1-based): chr17:31,335,027, G>A. VCF-style: chr17-31335027-G-A. GRCh37 (hg19) VCF-style: chr17-29662045-G-A.
Other names: c.5939G>A, p.Gly1980Glu (NM_000267.4); short protein forms G2001E, G1980E.
Identifiers: ClinVar variation 457774 (VCV000457774.6), dbSNP rs878853905, ClinGen allele CA399010972.
Genomic context (GRCh38, chr17:31,335,027, plus strand): 5'-TGACCATCAATGAAAAACAGATGTACCCATCTATTCAAGCAAAAATATGGGGAAGCCTTG[G>A]GCAGGTATTGAGTTTGCTCAAATATTTATCTAGTATCTCCTTTGTGCACATATTTATCTG-3'
Protein context (NP_001035957.1, residues 1991-2011): SIQAKIWGSL[Gly2001Glu]QITDLLDVVL